The following is an entry in ClinVar:

NM_001558.4(IL10RA):c.67+8T>C

Gene: IL10RA (interleukin 10 receptor subunit alpha; plus strand). Cytogenetic location: 11q23.3.
Variant type: single nucleotide variant.
Coding change: c.67+8T>C on transcript NM_001558.4 (MANE Select); 8 bases into the intron after coding-DNA position 67, T replaced by C.
Molecular consequence: intron variant.
Genome position (GRCh38, 1-based): chr11:117,986,542, T>C. VCF-style: chr11-117986542-T-C. GRCh37 (hg19) VCF-style: chr11-117857257-T-C.
Identifiers: ClinVar variation 470622 (VCV000470622.58), dbSNP rs200992970, ClinGen allele CA6298795.

ClinVar aggregate classification (germline): Conflicting classifications of pathogenicity. Review status: criteria provided, conflicting classifications (1 of 4 stars). 6 submissions from 6 submitters: Uncertain significance (1); Benign (1); Likely benign (4). Last evaluated 2026-01-27.

Conditions:
Inflammatory bowel disease 28. Also called: Inflammatory bowel disease 28, early onset, autosomal recessive. Identifiers: Orphanet 238569, MedGen C2751053, MONDO:0013153, OMIM 613148.

Allele frequency attached by ClinVar (database versions not stated): 1000 Genomes Project 30x 0.00031; 1000 Genomes Project 0.00040; ExAC 0.00104; ESP Exome Variant Server 0.00127; gnomAD exomes 0.00157 and 0.00254; TOPMed 0.00158; gnomAD 0.00290.
gnomAD v4.1: 3,767 of 1,552,560 alleles (0.24%); highest among the groups gnomAD compares: Non-Finnish European, 0.29%; 10 homozygotes.

Submissions (6):

Labcorp Genetics (formerly Invitae), Labcorp
Classification: Benign for Inflammatory bowel disease 28. Last evaluated: 2026-01-27. Review status: criteria provided, single submitter. Criteria: Invitae Variant Classification Sherloc (09022015). Collection method: clinical testing. Allele origin: germline.

Blueprint Genetics
Classification: Likely benign. Last evaluated: 2024-11-27. Review status: criteria provided, single submitter. Criteria: ACMG Guidelines, 2015. Collection method: clinical testing. Allele origin: germline.

CeGaT Center for Human Genetics Tuebingen
Classification: Likely benign. Last evaluated: 2023-09-01. Review status: criteria provided, single submitter. Criteria: CeGaT Center For Human Genetics Tuebingen Variant Classification Criteria Version 2. Collection method: clinical testing. Allele origin: germline. Affected: yes. Observed: 3 variant alleles.
Comment: IL10RA: BP4

Illumina Laboratory Services, Illumina
Classification: Uncertain significance for Inflammatory bowel disease 28. Last evaluated: 2018-01-13. Review status: criteria provided, single submitter. Criteria: ICSL Variant Classification Criteria 13 December 2019. Collection method: clinical testing. Allele origin: germline.

Clinical Genetics DNA and cytogenetics Diagnostics Lab, Erasmus MC, Erasmus Medical Center
Classification: Likely benign for Inflammatory bowel disease 28. Last evaluated: 2017-06-28. Review status: criteria provided, single submitter. Criteria: ACGS Guidelines, 2013. Collection method: clinical testing. Allele origin: germline. Affected: yes. Study: VKGL Data-share Consensus.

Genome Diagnostics Laboratory, University Medical Center Utrecht
Classification: Likely benign for Inflammatory bowel disease 28. Last evaluated: 2014-10-09. Review status: criteria provided, single submitter. Criteria: ACGS Guidelines, 2013. Collection method: clinical testing. Allele origin: germline. Affected: yes. Study: VKGL Data-share Consensus.